The following is an entry in ClinVar:

NM_020686.6(ABAT):c.447G>T (p.Ser149=)

Gene: ABAT (4-aminobutyrate aminotransferase; plus strand). Cytogenetic location: 16p13.2.
Variant type: single nucleotide variant.
Coding change: c.447G>T on transcript NM_020686.6 (MANE Select); coding-DNA position 447, G replaced by T.
Protein change: p.Ser149=; no amino-acid change (serine 149 retained).
Molecular consequence: synonymous variant.
Genome position (GRCh38, 1-based): chr16:8,764,149, G>T. VCF-style: chr16-8764149-G-T. GRCh37 (hg19) VCF-style: chr16-8858006-G-T.
Other names: c.447G>T, p.Ser149= (NM_000663.5, NM_001386609.1, NM_001386616.1 and 10 more transcripts); c.312G>T, p.Ser104= (NM_001386610.1, NM_001386611.1, NM_001386612.1 and 1 more transcripts); c.201G>T, p.Ser67= (NM_001386614.1); c.543G>T, p.Ser181= (NM_001386615.1); c.447G>T (NM_020686.5).
Identifiers: ClinVar variation 1503220 (VCV001503220.27), dbSNP rs376531387, ClinGen allele CA7893119.

ClinVar aggregate classification (germline): Conflicting classifications of pathogenicity. Review status: criteria provided, conflicting classifications (1 of 4 stars). 4 submissions from 4 submitters: Uncertain significance (3); Likely benign (1). Last evaluated 2024-11-08.

Conditions:
Gamma-aminobutyric acid transaminase deficiency (GABATD). Also called: GABA aminotransaminase deficiency; GABA transaminase deficiency; Gamma aminobutyrate transaminase deficiency; 4 alpha aminobutyrate transaminase deficiency. Identifiers: Orphanet 2066, MedGen C0342708, MONDO:0013166, OMIM 613163.
Inborn genetic diseases. Identifiers: MedGen C0950123, MeSH D030342.

Allele frequency attached by ClinVar (database versions not stated): ExAC 0.00007; ESP Exome Variant Server 0.00008.
gnomAD v4.1: 47 of 1,612,756 alleles (0.0029%); highest among the groups gnomAD compares: Middle Eastern, 0.016%; no homozygotes.

Submissions (4):

Labcorp Genetics (formerly Invitae), Labcorp
Classification: Uncertain significance for Gamma-aminobutyric acid transaminase deficiency. Last evaluated: 2024-11-08. Review status: criteria provided, single submitter. Criteria: Invitae Variant Classification Sherloc (09022015). Collection method: clinical testing. Allele origin: germline.
Comment: This sequence change affects codon 149 of the ABAT mRNA. It is a 'silent' change, meaning that it does not change the encoded amino acid sequence of the ABAT protein. This variant also falls at the last nucleotide of exon 7, which is part of the consensus splice site for this exon. This variant is present in population databases (rs376531387, gnomAD 0.02%). This variant has not been reported in the literature in individuals affected with ABAT-related conditions. ClinVar contains an entry for this variant (Variation ID: 1503220). Variants that disrupt the consensus splice site are a relatively common cause of aberrant splicing (PMID: 17576681, 9536098). Algorithms developed to predict the effect of sequence changes on RNA splicing suggest that this variant may disrupt the consensus splice site. In summary, the available evidence is currently insufficient to determine the role of this variant in disease. Therefore, it has been classified as a Variant of Uncertain Significance.

CeGaT Center for Human Genetics Tuebingen
Classification: Likely benign. Last evaluated: 2024-04-01. Review status: criteria provided, single submitter. Criteria: CeGaT Center For Human Genetics Tuebingen Variant Classification Criteria Version 2. Collection method: clinical testing. Allele origin: germline. Affected: yes. Observed: 1 variant allele.
Comment: ABAT: BP4, BP7

Ambry Genetics
Classification: Uncertain significance for Inborn genetic diseases. Last evaluated: 2021-07-27. Review status: criteria provided, single submitter. Criteria: Ambry Variant Classification Scheme 2023. Collection method: clinical testing. Allele origin: germline.
Comment: Occurs in the last base pair of the exon Based on insufficient or conflicting evidence, the clinical significance of this alteration remains unclear.

Breakthrough Genomics
Classification: Uncertain significance. Review status: criteria provided, single submitter. Criteria: ACMG Guidelines, 2015. Collection method: not provided. Allele origin: germline. Inheritance: Autosomal recessive inheritance. Affected: yes.

Literature cited by the submitters: PubMed 17576681 (cited by Labcorp Genetics (formerly Invitae), Labcorp); PubMed 9536098 (cited by Labcorp Genetics (formerly Invitae), Labcorp).